The following is an entry in ClinVar:

ClinVar aggregate classification (germline): Uncertain significance. Review status: criteria provided, multiple submitters, no conflicts (2 of 4 stars). 3 submissions from 3 submitters: Uncertain significance (3). Last evaluated 2024-05-27.

Conditions:
Bardet-Biedl syndrome (BBS). Identifiers: Orphanet 110, MedGen C0752166, MONDO:0015229.
Bardet-Biedl syndrome 4 (BBS4). Identifiers: Orphanet 110, MedGen C2936864, MONDO:0014433, OMIM 615982.

Allele frequency attached by ClinVar (database versions not stated): gnomAD exomes below 0.00001 and 0.00002; TOPMed below 0.00001; ExAC 0.00001; ESP Exome Variant Server 0.00008.
gnomAD v4.1: 24 of 1,613,564 alleles (0.0015%); highest among the groups gnomAD compares: Non-Finnish European, 0.002%; no homozygotes.

Submissions (3):

Fulgent Genetics
Classification: Uncertain significance for Bardet-Biedl syndrome 4. Last evaluated: 2024-05-27. Review status: criteria provided, single submitter. Criteria: ACMG Guidelines, 2015. Collection method: clinical testing. Allele origin: germline.

Blueprint Genetics
Classification: Uncertain significance. Last evaluated: 2022-02-09. Review status: criteria provided, single submitter. Criteria: ACMG Guidelines, 2015. Collection method: clinical testing. Allele origin: germline.

Labcorp Genetics (formerly Invitae), Labcorp
Classification: Uncertain significance for Bardet-Biedl syndrome. Last evaluated: 2021-07-31. Review status: criteria provided, single submitter. Criteria: Invitae Variant Classification Sherloc (09022015). Collection method: clinical testing. Allele origin: germline.
Comment: This variant has not been reported in the literature in individuals affected with BBS4-related conditions. In summary, the available evidence is currently insufficient to determine the role of this variant in disease. Therefore, it has been classified as a Variant of Uncertain Significance. Algorithms developed to predict the effect of missense changes on protein structure and function are either unavailable or do not agree on the potential impact of this missense change (SIFT: "Deleterious"; PolyPhen-2: "Probably Damaging"; Align-GVGD: "Class C0"). This variant is present in population databases (rs139038321, ExAC 0.002%). This sequence change replaces glutamine with arginine at codon 106 of the BBS4 protein (p.Gln106Arg). The glutamine residue is highly conserved and there is a small physicochemical difference between glutamine and arginine.

NM_033028.5(BBS4):c.317A>G (p.Gln106Arg)

Gene: BBS4 (Bardet-Biedl syndrome 4; plus strand). Cytogenetic location: 15q24.1.
Variant type: single nucleotide variant.
Coding change: c.317A>G on transcript NM_033028.5 (MANE Select); coding-DNA position 317, A replaced by G.
Protein change: p.Gln106Arg; replaces glutamine 106 with arginine.
Molecular consequence: missense variant. On other transcripts: 5 prime UTR variant (1), non-coding transcript variant (2).
Genome position (GRCh38, 1-based): chr15:72,715,387, A>G. VCF-style: chr15-72715387-A-G. GRCh37 (hg19) VCF-style: chr15-73007728-A-G.
Other names: c.-205A>G (NM_001252678.2); c.317A>G, p.Gln106Arg (NM_001320665.2); short protein forms Q106R.
Identifiers: ClinVar variation 1439638 (VCV001439638.6), dbSNP rs139038321, ClinGen allele CA7646574.